The following is an entry in ClinVar:

NM_014264.5(PLK4):c.719A>G (p.Asp240Gly)

Gene: PLK4 (polo like kinase 4; plus strand). Cytogenetic location: 4q28.1.
Variant type: single nucleotide variant.
Coding change: c.719A>G on transcript NM_014264.5 (MANE Select); coding-DNA position 719, A replaced by G.
Protein change: p.Asp240Gly; replaces aspartic acid 240 with glycine.
Molecular consequence: missense variant.
Genome position (GRCh38, 1-based): chr4:127,886,089, A>G. VCF-style: chr4-127886089-A-G. GRCh37 (hg19) VCF-style: chr4-128807244-A-G.
Other names: c.623A>G, p.Asp208Gly (NM_001190799.2); c.596A>G, p.Asp199Gly (NM_001190801.2); short protein forms D240G, D208G, D199G.
Identifiers: ClinVar variation 1437323 (VCV001437323.8), dbSNP rs746305769, ClinGen allele CA358149797.
Genomic context (GRCh38, chr4:127,886,089, plus strand): 5'-TAAATAAAGTAGTATTGGCAGATTATGAAATGCCATCTTTTTTGTCAATAGAGGCCAAGG[A>G]CCTTATTCACCAGTTACTTCGTAGAAATCCAGCAGATCGTTTAAGTCTGTCTTCAGTATT-3'
Protein context (NP_055079.3, residues 230-250): MPSFLSIEAK[Asp240Gly]LIHQLLRRNP

ClinVar aggregate classification (germline): Uncertain significance (1 of 4 stars; one submission).

Submission:

Labcorp Genetics (formerly Invitae), Labcorp
Classification: Uncertain significance. Last evaluated: 2022-10-24. Review status: criteria provided, single submitter. Criteria: Invitae Variant Classification Sherloc (09022015). Collection method: clinical testing. Allele origin: germline.
Comment: ClinVar contains an entry for this variant (Variation ID: 1437323). In summary, the available evidence is currently insufficient to determine the role of this variant in disease. Therefore, it has been classified as a Variant of Uncertain Significance. Algorithms developed to predict the effect of missense changes on protein structure and function (SIFT, PolyPhen-2, Align-GVGD) all suggest that this variant is likely to be disruptive. This variant has not been reported in the literature in individuals affected with PLK4-related conditions. This variant is not present in population databases (gnomAD no frequency). This sequence change replaces aspartic acid, which is acidic and polar, with glycine, which is neutral and non-polar, at codon 240 of the PLK4 protein (p.Asp240Gly).